The following is an entry in ClinVar:

ClinVar aggregate classification (germline): Likely benign. Review status: reviewed by expert panel (3 of 4 stars). 2 submissions from 2 submitters: Likely benign (1). 1 of the submissions does not count toward it. Last evaluated 2025-01-09.

Conditions:
Autosomal recessive limb-girdle muscular dystrophy. Identifiers: Orphanet 102015, MedGen C2931907, MONDO:0015152.

Allele frequency attached by ClinVar (database versions not stated): 1000 Genomes Project 30x 0.00062; 1000 Genomes Project 0.00080; ExAC 0.00130; gnomAD exomes 0.00135 and 0.00184; gnomAD 0.00148 and 0.00156; TOPMed 0.00156; ESP Exome Variant Server 0.00232.
gnomAD v4.1: 2,901 of 1,607,128 alleles (0.18%); highest among the groups gnomAD compares: Non-Finnish European, 0.22%; 6 homozygotes.

Submissions (6):

ClinGen Limb Girdle Muscular Dystrophy Variant Curation Expert Panel, ClinGen
Classification: Likely benign for Autosomal recessive limb-girdle muscular dystrophy. Last evaluated: 2025-01-09. Review status: reviewed by expert panel. Criteria: ClinGen LGMD VCEP ACMG Specifications CAPN3 V1.0.0. Collection method: curation. Allele origin: germline. Inheritance: Autosomal recessive inheritance.
Comment: The NM_000070.3: c.1800+21C>T variant in CAPN3 is an intronic variant that does not occur in a splice region (+7/-21). The filtering allele frequency for this variant is 0.002152 for the European (non-Finnish) population in gnomAD v4.1.0 (the lower threshold of the 95% CI of 2461/1105660 exome chromosomes), which is greater than the ClinGen LGMD VCEP threshold of 0.001 for BS1, and therefore meets this criterion (BS1). The SpliceAI prediction score for this variant is 0.01, which is less than the VCEP threshold of 0.05 (BP4, BP7). In summary, this variant meets the criteria to be classified as Likely Benign for autosomal recessive limb girdle muscular dystrophy based on the ACMG/AMP criteria applied, as specified by the LGMD VCEP (LGMD VCEP specifications version 1.0.0; 01/09/2025): BS1, BP4, BP7.

Athena Diagnostics
Classification: Benign. Last evaluated: 2018-11-05. Review status: criteria provided, single submitter. Criteria: Athena Diagnostics Criteria. Collection method: clinical testing. Allele origin: germline. Not counted in ClinVar's aggregate classification.

Dr. Peter K. Rogan Lab, Western University
No classification provided (evidence only). Condition: Clear cell carcinoma of kidney. Review status: no classification provided. Collection method: in vitro. Allele origin: not applicable. Functional consequence: retained intron. Not counted in ClinVar's aggregate classification.

Dr. Peter K. Rogan Lab, Western University
No classification provided (evidence only). Condition: Cervical cancer. Review status: no classification provided. Collection method: in vitro. Allele origin: not applicable. Functional consequence: retained intron. Not counted in ClinVar's aggregate classification.

Dr. Peter K. Rogan Lab, Western University
No classification provided (evidence only). Condition: Cervical cancer. Review status: no classification provided. Collection method: in vitro. Allele origin: not applicable. Functional consequence: retained intron. Not counted in ClinVar's aggregate classification.

Dr. Peter K. Rogan Lab, Western University
No classification provided (evidence only). Condition: Gastric cancer. Review status: no classification provided. Collection method: in vitro. Allele origin: not applicable. Functional consequence: retained intron. Not counted in ClinVar's aggregate classification.

NM_000070.3(CAPN3):c.1800+21C>T

Gene: CAPN3 (calpain 3; plus strand). Cytogenetic location: 15q15.1.
Variant type: single nucleotide variant.
Coding change: c.1800+21C>T on transcript NM_000070.3 (MANE Select); 21 bases into the intron after coding-DNA position 1800, C replaced by T.
Molecular consequence: intron variant.
Genome position (GRCh38, 1-based): chr15:42,405,964, C>T. VCF-style: chr15-42405964-C-T. GRCh37 (hg19) VCF-style: chr15-42698162-C-T.
Other names: NC_000015.9:g.42698162C>T; c.1782+2187C>T (NM_024344.2); c.1638+2187C>T (NM_173087.2); c.264+21C>T (NM_173088.2); c.-82+21C>T (NM_173090.2); c.-82+1009C>T (NM_173089.2).
Identifiers: ClinVar variation 446978 (VCV000446978.4), dbSNP rs201512120, ClinGen allele CA7511545.